The following is an entry in ClinVar:

NM_001374353.1(GLI2):c.1262A>G (p.Asn421Ser)

Gene: GLI2 (GLI family zinc finger 2; plus strand). Cytogenetic location: 2q14.2.
Variant type: single nucleotide variant.
Coding change: c.1262A>G on transcript NM_001374353.1 (MANE Select); coding-DNA position 1262, A replaced by G.
Protein change: p.Asn421Ser; replaces asparagine 421 with serine.
Molecular consequence: missense variant.
Genome position (GRCh38, 1-based): chr2:120,975,054, A>G. VCF-style: chr2-120975054-A-G. GRCh37 (hg19) VCF-style: chr2-121732630-A-G.
Other names: c.1313A>G (NM_005270.4); c.1313A>G, p.Asn438Ser (NM_001371271.1, NM_005270.5); c.887A>G, p.Asn296Ser (NM_001374354.1); short protein forms N438S, N421S, N296S.
Identifiers: ClinVar variation 2144291 (VCV002144291.8), dbSNP rs757806597, ClinGen allele CA1851854.
Genomic context (GRCh38, chr2:120,975,054, plus strand): 5'-AGGAAGATCTGGACAGGGATGACTGTAAGCAGGAGGCTGAGGTGGTCATCTATGAGACCA[A>G]CTGCCACTGGGAAGACTGCACCAAGGAGTACGACACCCAGGAGCAGCTGGTGCATGTAAG-3'
Protein context (NP_001361282.1, residues 411-431): QEAEVVIYET[Asn421Ser]CHWEDCTKEY

ClinVar aggregate classification (germline): Uncertain significance. Review status: criteria provided, multiple submitters, no conflicts (2 of 4 stars). 3 submissions from 3 submitters: Uncertain significance (3). Last evaluated 2025-04-18.

Conditions:
Holoprosencephaly 9 (HPE9). Also called: HOLOPROSENCEPHALY WITH MICROPHTHALMIA AND FIRST BRANCHIAL ARCH ANOMALIES; PITUITARY ANOMALIES WITH HOLOPROSENCEPHALY-LIKE FEATURES. Identifiers: Orphanet 2162, MedGen C1835819, MONDO:0012563, OMIM 610829.
Postaxial polydactyly-anterior pituitary anomalies-facial dysmorphism syndrome. Also called: Culler-Jones syndrome. Identifiers: Orphanet 420584, MedGen C4014479, MONDO:0014369, OMIM 615849.
Inborn genetic diseases. Identifiers: MedGen C0950123, MeSH D030342.

Allele frequency attached by ClinVar (database versions not stated): gnomAD 0.00001; gnomAD exomes 0.00001; TOPMed 0.00002.

Submissions (3):

Ambry Genetics
Classification: Uncertain significance for Inborn genetic diseases. Last evaluated: 2025-04-18. Review status: criteria provided, single submitter. Criteria: Ambry Variant Classification Scheme 2023. Collection method: clinical testing. Allele origin: germline.

Labcorp Genetics (formerly Invitae), Labcorp
Classification: Uncertain significance for Postaxial polydactyly-anterior pituitary anomalies-facial dysmorphism syndrome; Holoprosencephaly 9. Last evaluated: 2022-02-22. Review status: criteria provided, single submitter. Criteria: Invitae Variant Classification Sherloc (09022015). Collection method: clinical testing. Allele origin: germline.
Comment: This sequence change replaces asparagine, which is neutral and polar, with serine, which is neutral and polar, at codon 438 of the GLI2 protein (p.Asn438Ser). This variant is present in population databases (rs757806597, gnomAD 0.01%). This variant has not been reported in the literature in individuals affected with GLI2-related conditions. Algorithms developed to predict the effect of missense changes on protein structure and function output the following: SIFT: "Tolerated"; PolyPhen-2: "Benign"; Align-GVGD: "Class C0". The serine amino acid residue is found in multiple mammalian species, which suggests that this missense change does not adversely affect protein function. In summary, the available evidence is currently insufficient to determine the role of this variant in disease. Therefore, it has been classified as a Variant of Uncertain Significance.

Revvity Omics, Revvity
Classification: Uncertain significance. Last evaluated: 2021-07-28. Review status: criteria provided, single submitter. Criteria: ACMG Guidelines, 2015. Collection method: clinical testing. Allele origin: germline.